The following is an entry in ClinVar:

NM_198578.4(LRRK2):c.6047C>T (p.Ala2016Val)

Gene: LRRK2 (leucine rich repeat kinase 2; plus strand). Cytogenetic location: 12q12.
Variant type: single nucleotide variant.
Coding change: c.6047C>T on transcript NM_198578.4 (MANE Select); coding-DNA position 6047, C replaced by T.
Protein change: p.Ala2016Val; replaces alanine 2016 with valine.
Molecular consequence: missense variant.
Genome position (GRCh38, 1-based): chr12:40,340,392, C>T. VCF-style: chr12-40340392-C-T. GRCh37 (hg19) VCF-style: chr12-40734194-C-T.
Other names: p.Ala2016Val; short protein forms A2016V.
Identifiers: ClinVar variation 2782983 (VCV002782983.4), dbSNP rs2499948218, ClinGen allele CA384403953.

ClinVar aggregate classification (germline): Uncertain significance. Review status: criteria provided, multiple submitters, no conflicts (2 of 4 stars). 2 submissions from 2 submitters: Uncertain significance (2). Last evaluated 2023-11-27.

Conditions:
Autosomal dominant Parkinson disease 8. Also called: LRRK2-Related Parkinson Disease; Parkinson disease 8; Parkinson disease 8, susceptibility to. Identifiers: Orphanet 411602, MedGen C1846862, MONDO:0011764, OMIM 607060.

Submissions (2):

Mayo Clinic Laboratories, Mayo Clinic
Classification: Uncertain significance. Last evaluated: 2023-11-27. Review status: criteria provided, single submitter. Criteria: ACMG Guidelines, 2015. Collection method: clinical testing. Allele origin: germline. Observed: 1 variant allele.
Comment: PP3, PM2_moderate

Labcorp Genetics (formerly Invitae), Labcorp
Classification: Uncertain significance for Autosomal dominant Parkinson disease 8. Last evaluated: 2023-10-15. Review status: criteria provided, single submitter. Criteria: Invitae Variant Classification Sherloc (09022015). Collection method: clinical testing. Allele origin: germline.
Comment: This sequence change replaces alanine, which is neutral and non-polar, with valine, which is neutral and non-polar, at codon 2016 of the LRRK2 protein (p.Ala2016Val). This variant is not present in population databases (gnomAD no frequency). This variant has not been reported in the literature in individuals affected with LRRK2-related conditions. Advanced modeling of protein sequence and biophysical properties (such as structural, functional, and spatial information, amino acid conservation, physicochemical variation, residue mobility, and thermodynamic stability) has been performed at Invitae for this missense variant, however the output from this modeling did not meet the statistical confidence thresholds required to predict the impact of this variant on LRRK2 protein function. In summary, the available evidence is currently insufficient to determine the role of this variant in disease. Therefore, it has been classified as a Variant of Uncertain Significance.